The following is an entry in ClinVar:

ClinVar aggregate classification (germline): Benign/Likely benign. Review status: criteria provided, multiple submitters, no conflicts (2 of 4 stars). 10 submissions from 10 submitters: Benign (6); Likely benign (1). 3 of the submissions do not count toward it. Last evaluated 2026-07-01.

Conditions:
Developmental and epileptic encephalopathy 94 (DEE94). Also called: Epileptic encephalopathy, childhood-onset; CHD2-Related Neurodevelopmental Disorders. Identifiers: Orphanet 1942, Orphanet 2382, MedGen C3809278, MONDO:0014150, OMIM 615369.

Allele frequency attached by ClinVar (database versions not stated): gnomAD exomes 0.00516 and 0.00354; 1000 Genomes Project 30x 0.00094; 1000 Genomes Project 0.00120; gnomAD 0.00332 and 0.00371; TOPMed 0.00348; ExAC 0.00363; ESP Exome Variant Server 0.00385.
gnomAD v4.1: 8,009 of 1,612,200 alleles (0.5%); highest among the groups gnomAD compares: Non-Finnish European, 0.61%; 31 homozygotes.

Submissions (10):

CeGaT Center for Human Genetics Tuebingen
Classification: Benign. Last evaluated: 2026-07-01. Review status: criteria provided, single submitter. Criteria: CeGaT Center For Human Genetics Tuebingen Variant Classification Criteria Version 2. Collection method: clinical testing. Allele origin: germline. Affected: yes. Observed: 58 variant alleles.
Comment: CHD2: BP4, BS1, BS2

Labcorp Genetics (formerly Invitae), Labcorp
Classification: Benign for Developmental and epileptic encephalopathy 94. Last evaluated: 2026-02-02. Review status: criteria provided, single submitter. Criteria: Invitae Variant Classification Sherloc (09022015). Collection method: clinical testing. Allele origin: germline.

ARUP Laboratories, Molecular Genetics and Genomics, ARUP Laboratories
Classification: Benign for Developmental and epileptic encephalopathy 94. Last evaluated: 2025-03-06. Review status: criteria provided, single submitter. Criteria: ARUP Molecular Germline Variant Investigation Process 2024. Collection method: clinical testing. Allele origin: germline.

Fulgent Genetics
Classification: Likely benign for Developmental and epileptic encephalopathy 94. Last evaluated: 2021-08-31. Review status: criteria provided, single submitter. Criteria: ACMG Guidelines, 2015. Collection method: clinical testing. Allele origin: unknown.

Athena Diagnostics
Classification: Benign. Last evaluated: 2020-11-05. Review status: criteria provided, single submitter. Criteria: Athena Diagnostics criteria. Collection method: clinical testing. Allele origin: unknown.

GeneDx
Classification: Benign. Last evaluated: 2016-09-16. Review status: criteria provided, single submitter. Criteria: GeneDx Variant Classification (06012015). Collection method: clinical testing. Allele origin: germline. Affected: yes.
Comment: This variant is considered likely benign or benign based on one or more of the following criteria: it is a conservative change, it occurs at a poorly conserved position in the protein, it is predicted to be benign by multiple in silico algorithms, and/or has population frequency not consistent with disease.

PreventionGenetics, part of Exact Sciences
Classification: Benign. Review status: criteria provided, single submitter. Criteria: ACMG Guidelines, 2015. Collection method: clinical testing. Allele origin: germline.

Clinical Genetics DNA and cytogenetics Diagnostics Lab, Erasmus MC, Erasmus Medical Center
Classification: Likely benign. Review status: no assertion criteria provided. Collection method: clinical testing. Allele origin: germline. Affected: yes. Study: VKGL Data-share Consensus. Not counted in ClinVar's aggregate classification.

Diagnostic Laboratory, Department of Genetics, University Medical Center Groningen
Classification: Likely benign. Review status: no assertion criteria provided. Collection method: clinical testing. Allele origin: germline. Affected: yes. Study: VKGL Data-share Consensus. Not counted in ClinVar's aggregate classification.

Genome Diagnostics Laboratory, University Medical Center Utrecht
Classification: Likely benign. Review status: no assertion criteria provided. Collection method: clinical testing. Allele origin: germline. Affected: yes. Study: VKGL Data-share Consensus. Not counted in ClinVar's aggregate classification.

NM_001271.4(CHD2):c.2577+7T>C

Gene: CHD2 (chromodomain helicase DNA binding protein 2; plus strand). Cytogenetic location: 15q26.1.
Variant type: single nucleotide variant.
Coding change: c.2577+7T>C on transcript NM_001271.4 (MANE Select); 7 bases into the intron after coding-DNA position 2577, T replaced by C.
Molecular consequence: intron variant.
Genome position (GRCh38, 1-based): chr15:92,974,957, T>C. VCF-style: chr15-92974957-T-C. GRCh37 (hg19) VCF-style: chr15-93518187-T-C.
Identifiers: ClinVar variation 257707 (VCV000257707.52), dbSNP rs146944583, ClinGen allele CA7748011.